The following is an entry in ClinVar:

NM_001710.6(CFB):c.2140-1G>C

Gene: CFB (complement factor B; plus strand). Cytogenetic location: 6p21.33.
Variant type: single nucleotide variant.
Coding change: c.2140-1G>C on transcript NM_001710.6 (MANE Select); the canonical splice acceptor site of the intron before coding-DNA position 2140, G replaced by C.
Molecular consequence: splice acceptor variant.
Genome position (GRCh38, 1-based): chr6:31,951,874, G>C. VCF-style: chr6-31951874-G-C. GRCh37 (hg19) VCF-style: chr6-31919651-G-C.
Identifiers: ClinVar variation 2788796 (VCV002788796.4), dbSNP rs113849036, ClinGen allele CA363414061.
Genomic context (GRCh38, chr6:31,951,874, plus strand): 5'-GCCATGCTTCCAGGATTAGGAATTCTACTGAATGATCCATGGCACCCCACTGCCTCTGCA[G>C]GTTGGTGTAATCAGCTGGGGAGTAGTGGATGTCTGCAAAAACCAGAAGCGGCAAAAGCAG-3'

ClinVar aggregate classification (germline): Uncertain significance. Review status: criteria provided, multiple submitters, no conflicts (2 of 4 stars). 2 submissions from 2 submitters: Uncertain significance (2). Last evaluated 2024-03-06.

Allele frequency attached by ClinVar (database versions not stated): gnomAD exomes below 0.00001.
gnomAD v4.1: 1 of 1,613,246 alleles (0.000062%); highest among the groups gnomAD compares: Non-Finnish European, 0.000085%; no homozygotes.

Submissions (2):

Mayo Clinic Laboratories, Mayo Clinic
Classification: Uncertain significance. Last evaluated: 2024-03-06. Review status: criteria provided, single submitter. Criteria: ACMG Guidelines, 2015. Collection method: clinical testing. Allele origin: germline. Observed: 1 variant allele.
Comment: PP3, PM2, PVS1_moderate

Labcorp Genetics (formerly Invitae), Labcorp
Classification: Uncertain significance. Last evaluated: 2022-11-08. Review status: criteria provided, single submitter. Criteria: Invitae Variant Classification Sherloc (09022015). Collection method: clinical testing. Allele origin: germline.
Comment: In summary, the available evidence is currently insufficient to determine the role of this variant in disease. Therefore, it has been classified as a Variant of Uncertain Significance. Variants that disrupt the consensus splice site are a relatively common cause of aberrant splicing (PMID: 17576681, 9536098). Algorithms developed to predict the effect of sequence changes on RNA splicing suggest that this variant may disrupt the consensus splice site. This variant has not been reported in the literature in individuals affected with CFB-related conditions. This variant is not present in population databases (gnomAD no frequency). This sequence change falls in intron 17 of the CFB gene. It does not directly change the encoded amino acid sequence of the CFB protein. It affects a nucleotide within the consensus splice site.

Literature cited by the submitters: PubMed 17576681 (cited by Labcorp Genetics (formerly Invitae), Labcorp); PubMed 9536098 (cited by Labcorp Genetics (formerly Invitae), Labcorp).